The following is an entry in ClinVar:

ClinVar aggregate classification (germline): Conflicting classifications of pathogenicity. Review status: criteria provided, conflicting classifications (1 of 4 stars). 3 submissions from 3 submitters: Uncertain significance (2); Likely benign (1). Last evaluated 2025-02-04.

Allele frequency attached by ClinVar (database versions not stated): ESP Exome Variant Server 0.00008; ExAC 0.00011; 1000 Genomes Project 0.00020; gnomAD 0.00021; TOPMed 0.00027; 1000 Genomes Project 30x 0.00031.
gnomAD v4.1: 71 of 1,613,960 alleles (0.0044%); highest among the groups gnomAD compares: African/African-American, 0.069%; no homozygotes.

Submissions (3):

Greenwood Genetic Center Diagnostic Laboratories, Greenwood Genetic Center
Classification: Uncertain significance. Last evaluated: 2025-02-04. Review status: criteria provided, single submitter. Criteria: ACMG Guidelines, 2015. Collection method: clinical testing. Allele origin: germline.
Comment: PM2, BP4

Blueprint Genetics
Classification: Likely benign. Last evaluated: 2023-07-04. Review status: criteria provided, single submitter. Criteria: ACMG Guidelines, 2015. Collection method: clinical testing. Allele origin: germline.

GeneDx
Classification: Uncertain significance. Last evaluated: 2023-01-21. Review status: criteria provided, single submitter. Criteria: GeneDx Variant Classification Process June 2021. Collection method: clinical testing. Allele origin: germline. Affected: yes.
Comment: In silico analysis supports that this missense variant has a deleterious effect on protein structure/function; Has not been previously published as pathogenic or benign to our knowledge

NM_024417.5(FDXR):c.1022G>A (p.Arg341His)

Gene: FDXR (ferredoxin reductase; minus strand). Cytogenetic location: 17q25.1.
Variant type: single nucleotide variant.
Coding change: c.1022G>A on transcript NM_024417.5 (MANE Select); coding-DNA position 1022, G replaced by A.
Protein change: p.Arg341His; replaces arginine 341 with histidine.
Molecular consequence: missense variant. On other transcripts: non-coding transcript variant (1).
Genome position (GRCh38, 1-based): chr17:74,864,048, C>T on the plus strand (G>A on the coding strand, the complement: FDXR is on the minus strand). VCF-style: chr17-74864048-C-T. GRCh37 (hg19) VCF-style: chr17-72860170-C-T.
Other names: c.1151G>A, p.Arg384His (NM_001258012.4); c.1115G>A, p.Arg372His (NM_001258013.4); c.998G>A, p.Arg333His (NM_001258014.4); c.902G>A, p.Arg301His (NM_001258015.3); c.866G>A, p.Arg289His (NM_001258016.3); c.1040G>A, p.Arg347His (NM_004110.6); short protein forms R289H, R301H, R333H, R341H, R347H, R372H, R384H.
Identifiers: ClinVar variation 2573758 (VCV002573758.3), dbSNP rs376509346, ClinGen allele CA8752939.